The following is an entry in ClinVar:

NM_001171.6(ABCC6):c.4253G>A (p.Arg1418Gln)

Gene: ABCC6 (ATP binding cassette subfamily C member 6; minus strand). Cytogenetic location: 16p13.11.
Variant type: single nucleotide variant.
Coding change: c.4253G>A on transcript NM_001171.6 (MANE Select); coding-DNA position 4253, G replaced by A.
Protein change: p.Arg1418Gln; replaces arginine 1418 with glutamine.
Molecular consequence: missense variant. On other transcripts: non-coding transcript variant (1).
Genome position (GRCh38, 1-based): chr16:16,150,728, C>T on the plus strand (G>A on the coding strand, the complement: ABCC6 is on the minus strand). VCF-style: chr16-16150728-C-T. GRCh37 (hg19) VCF-style: chr16-16244585-C-T.
Other names: c.3911G>A, p.Arg1304Gln (NM_001351800.1); short protein forms R1418Q, R1304Q.
Identifiers: ClinVar variation 433356 (VCV000433356.49), dbSNP rs63751262, ClinGen allele CA7925241.

ClinVar aggregate classification (germline): Uncertain significance. Review status: criteria provided, multiple submitters, no conflicts (2 of 4 stars). 5 submissions from 5 submitters: Uncertain significance (4). 1 of the submissions does not count toward it. Last evaluated 2026-04-11.

Conditions:
Autosomal recessive inherited pseudoxanthoma elasticum (PXE). Identifiers: Orphanet 758, MedGen CN032334, MONDO:0009925, OMIM 264800.

Allele frequency attached by ClinVar (database versions not stated): gnomAD 0.00001; gnomAD exomes 0.00002; TOPMed 0.00003.
gnomAD v4.1: 38 of 1,613,736 alleles (0.0024%); highest among the groups gnomAD compares: African/African-American, 0.004%; no homozygotes.

Submissions (5):

GeneDx
Classification: Uncertain significance. Last evaluated: 2026-04-11. Review status: criteria provided, single submitter. Criteria: GeneDx Variant Classification Process June 2021. Collection method: clinical testing. Allele origin: germline.
Comment: Identified in the heterozygous state in an patient with Moya Moya disease (PMID: 16086762); In silico analysis supports that this missense variant has a deleterious effect on protein structure/function; In silico analysis suggests this variant may impact gene splicing. In the absence of RNA/functional studies, the actual effect of this sequence change is unknown.; This variant is associated with the following publications: (PMID: 32873932, 29420653, 16086762, 36973604)

Blueprint Genetics
Classification: Uncertain significance. Last evaluated: 2023-08-31. Review status: criteria provided, single submitter. Criteria: ACMG Guidelines, 2015. Collection method: clinical testing. Allele origin: germline.

Labcorp Genetics (formerly Invitae), Labcorp
Classification: Uncertain significance. Last evaluated: 2022-08-19. Review status: criteria provided, single submitter. Criteria: Invitae Variant Classification Sherloc (09022015). Collection method: clinical testing. Allele origin: germline.
Comment: This sequence change replaces arginine, which is basic and polar, with glutamine, which is neutral and polar, at codon 1418 of the ABCC6 protein (p.Arg1418Gln). This variant is present in population databases (rs63751262, gnomAD 0.007%). This variant has not been reported in the literature in individuals affected with ABCC6-related conditions. ClinVar contains an entry for this variant (Variation ID: 433356). Algorithms developed to predict the effect of missense changes on protein structure and function are either unavailable or do not agree on the potential impact of this missense change (SIFT: "Tolerated"; PolyPhen-2: "Probably Damaging"; Align-GVGD: "Class C0"). Algorithms developed to predict the effect of sequence changes on RNA splicing suggest that this variant may create or strengthen a splice site. In summary, the available evidence is currently insufficient to determine the role of this variant in disease. Therefore, it has been classified as a Variant of Uncertain Significance.

CeGaT Center for Human Genetics Tuebingen
Classification: Uncertain significance. Last evaluated: 2018-01-01. Review status: criteria provided, single submitter. Criteria: CeGaT Center For Human Genetics Tuebingen Variant Classification Criteria Version 2. Collection method: clinical testing. Allele origin: germline. Affected: yes. Observed: 1 variant allele.

PXE International
Classification: Uncertain significance for Autosomal recessive inherited pseudoxanthoma elasticum. Last evaluated: 2021-03-01. Review status: no assertion criteria provided. Collection method: research. Allele origin: germline. Inheritance: Autosomal recessive inheritance. Affected: yes. Not counted in ClinVar's aggregate classification.

Literature cited by the submitters: PubMed 32873932 (cited by PXE International); PubMed 16086762 (cited by PXE International).